The following is an entry in ClinVar:

ClinVar aggregate classification (germline): Likely pathogenic (1 of 4 stars; one submission).

Conditions:
Familial dysfibrinogenemia. Also called: Dysfibrinogenemia, congenital. Identifiers: Orphanet 335, Orphanet 98881, MedGen C0272350, MONDO:0014452, OMIM 616004.
Congenital afibrinogenemia. Identifiers: Orphanet 335, Orphanet 98880, MedGen C2584774, MONDO:0008737, OMIM 202400.

Submission:

Institute of Immunology and Genetics Kaiserslautern
Classification: Likely pathogenic for Congenital afibrinogenemia; Familial dysfibrinogenemia. Last evaluated: 2024-07-08. Review status: criteria provided, single submitter. Criteria: ACMG Guidelines, 2015. Collection method: clinical testing. Allele origin: germline.
Comment: ACMG Criteria: PVS1, PM2; Variant was found in heterozygous state

NM_021870.3(FGG):c.1242del (p.Phe415fs)

Gene: FGG (fibrinogen gamma chain; minus strand). Cytogenetic location: 4q32.1.
Variant type: Deletion.
Coding change: c.1242del on transcript NM_021870.3 (MANE Select); coding-DNA position 1242, one base deleted (A; older notation c.1242delA).
Protein change: p.Phe415fs; shifts the reading frame from phenylalanine 415.
Molecular consequence: frameshift variant.
Genome position (GRCh38, 1-based): chr4:154,604,954, T deleted on the plus strand (A on the coding strand, the reverse complement: FGG is on the minus strand). VCF-style (leftmost placement, unchanged base first): chr4-154604953-AT-A. GRCh37 (hg19) VCF-style: chr4-155526105-AT-A.
Other names: c.1242del, p.Phe415fs (NM_000509.6); short protein forms F415fs.
Identifiers: ClinVar variation 3257729 (VCV003257729.1).